The following is an entry in ClinVar:

ClinVar aggregate classification (germline): Pathogenic. Review status: criteria provided, multiple submitters, no conflicts (2 of 4 stars). 3 submissions from 3 submitters: Pathogenic (2). 1 of the submissions does not count toward it. Last evaluated 2025-01-22.

Conditions:
Immunodeficiency 23 (IMD23). Also called: IMMUNODEFICIENCY WITH HYPER IgE AND COGNITIVE IMPAIRMENT; IMMUNODEFICIENCY-VASCULITIS-MYOCLONUS SYNDROME. Identifiers: Orphanet 443811, MedGen C4014371, MONDO:0014353, OMIM 615816.
PGM3-related disorder. Also called: PGM3-related condition.
Severe combined immunodeficiency disease. Also called: Severe Combined Immune Deficiency; Severe combined immunodeficiency. Identifiers: Orphanet 183660, MedGen C0085110, MeSH D016511, MONDO:0015974, HP:0004430. Inheritance: X-Linked or Autosomal recessive.

Submissions (3):

Labcorp Genetics (formerly Invitae), Labcorp
Classification: Pathogenic for Immunodeficiency 23. Last evaluated: 2025-01-22. Review status: criteria provided, single submitter. Criteria: Invitae Variant Classification Sherloc (09022015). Collection method: clinical testing. Allele origin: germline.
Comment: This sequence change creates a premature translational stop signal (p.Arg427Serfs*3) in the PGM3 gene. It is expected to result in an absent or disrupted protein product. Loss-of-function variants in PGM3 are known to be pathogenic (PMID: 17548465, 24589341, 24931394). This variant is present in population databases (rs759187140, gnomAD 0.003%). This variant has not been reported in the literature in individuals affected with PGM3-related conditions. For these reasons, this variant has been classified as Pathogenic.

Women's Health and Genetics/Laboratory Corporation of America, LabCorp
Classification: Pathogenic for Severe combined immunodeficiency disease. Last evaluated: 2024-08-09. Review status: criteria provided, single submitter. Criteria: LabCorp Variant Classification Summary - May 2015. Collection method: clinical testing. Allele origin: germline.
Comment: Variant summary: PGM3 c.1281_1285delAAAAG (p.Arg427SerfsX3) results in a premature termination codon, predicted to cause a truncation of the encoded protein or absence of the protein due to nonsense mediated decay, which are commonly known mechanisms for disease. The variant allele was found at a frequency of 1.2e-05 in 248742 control chromosomes. To our knowledge, no occurrence of c.1281_1285delAAAAG in individuals affected with Severe Combined Immunodeficiency and no experimental evidence demonstrating its impact on protein function have been reported. No submitters have cited clinical-significance assessments for this variant to ClinVar. Based on the evidence outlined above, the variant was classified as pathogenic.

PreventionGenetics, part of Exact Sciences
Classification: Likely pathogenic for PGM3-related condition. Last evaluated: 2024-09-05. Review status: no assertion criteria provided. Collection method: clinical testing. Allele origin: germline. Not counted in ClinVar's aggregate classification.
Comment: The PGM3 c.1281_1285del5 variant is predicted to result in a frameshift and premature protein termination (p.Arg427Serfs*3). To our knowledge, this variant has not been reported in the literature. This variant is reported in 0.0027% of alleles in individuals of European (non-Finnish) descent in gnomAD. Frameshift variants in PGM3 are expected to be pathogenic. This variant is interpreted as likely pathogenic.

Literature cited by the submitters: PubMed 17548465 (cited by Labcorp Genetics (formerly Invitae), Labcorp); PubMed 24589341 (cited by Labcorp Genetics (formerly Invitae), Labcorp); PubMed 24931394 (cited by Labcorp Genetics (formerly Invitae), Labcorp).

NM_015599.3(PGM3):c.1197_1201del (p.Arg399fs)

Gene: PGM3 (phosphoglucomutase 3; minus strand). Cytogenetic location: 6q14.1.
Variant type: Microsatellite.
Coding change: c.1197_1201del on transcript NM_015599.3 (MANE Select); coding-DNA positions 1197 to 1201, 5 bases deleted (AAAAG; older notation c.1197_1201delAAAAG).
Protein change: p.Arg399fs; shifts the reading frame from arginine 399.
Molecular consequence: frameshift variant. On other transcripts: non-coding transcript variant (1).
Genome position (GRCh38, 1-based): chr6:83,174,415-83,174,419, CTTTT deleted on the plus strand (AAAAG on the coding strand, the reverse complement: PGM3 is on the minus strand); deleting any 5 consecutive bases within chr6:83,174,415-83,174,427 gives the same sequence; the c. name uses the placement nearest the transcript's 3' end. VCF-style (leftmost placement, unchanged base first): chr6-83174414-GCTTTT-G. GRCh37 (hg19) VCF-style: chr6-83884133-GCTTTT-G.
Other names: c.1281_1285del, p.Arg427fs (NM_001199917.2, NM_001367287.1); c.954_958del, p.Arg318fs (NM_001199918.2); c.1197_1201del, p.Arg399fs (NM_001199919.2, NM_001367286.1); c.1281_1285delAAAAG (NM_001199917.2); short protein forms R318fs, R399fs, R427fs.
Identifiers: ClinVar variation 2896746 (VCV002896746.5), dbSNP rs759187140, ClinGen allele CA3906597.
Genomic context (GRCh38, chr6:83,174,414, plus strand): 5'-ACTGCCCCATCAGTTCTGACCTGGTTAAACAAGTCAATAATGTTTTCAAGCATCTTAGCA[GCTTTT>G]CTTTTCTTATCTTCCAGTTGTTCTGCTGATTGTTTTATCTTCATTTCAACAGCTGTACTA-3'